The following is an entry in ClinVar:

NM_000059.4(BRCA2):c.9717_9718insAT (p.Val3240fs)

Gene: BRCA2 (BRCA2 DNA repair associated; plus strand). Cytogenetic location: 13q13.1.
Variant type: Insertion.
Coding change: c.9717_9718insAT on transcript NM_000059.4 (MANE Select); coding-DNA positions 9717 to 9718, AT inserted.
Protein change: p.Val3240fs; shifts the reading frame from valine 3240.
Molecular consequence: frameshift variant.
Genome position: GRCh38 VCF-style: chr13-32398229-C-CTA. GRCh37 (hg19) VCF-style: chr13-32972366-C-CTA.
Other names: short protein forms V3240fs.
Identifiers: ClinVar variation 233246 (VCV000233246.5), dbSNP rs876660287, ClinGen allele CA10579843.
Genomic context (GRCh38, chr13:32,398,229, plus strand): 5'-CTCCTAATTGTGAGATATATTATCAAAGTCCTTTATCACTTTGTATGGCCAAAAGGAAGT[C>CTA]TGTTTCCACACCTGTCTCAGCCCAGATGACTTCAAAGTCTTGTAAAGGGGAGAAAGAGAT-3'

ClinVar aggregate classification (germline): Pathogenic (1 of 4 stars; one submission).

Conditions:
Hereditary cancer-predisposing syndrome. Also called: Neoplastic Syndromes, Hereditary; Tumor predisposition; Hereditary Cancer Syndrome; Hereditary neoplastic syndrome. Identifiers: Orphanet 140162, MedGen C0027672, MeSH D009386, MONDO:0015356.

Submission:

Ambry Genetics
Classification: Pathogenic for Hereditary cancer-predisposing syndrome. Last evaluated: 2015-08-17. Review status: criteria provided, single submitter. Criteria: Ambry Variant Classification Scheme 2023. Collection method: clinical testing. Allele origin: germline.
Comment: The c.9717_9718insAT pathogenic mutation (also known as 9945insAT), located in coding exon 26 of the BRCA2 gene, results from an insertion of two nucleotides at position 9717, causing a translational frameshift with a predicted alternate stop codon. Since frameshifts are typically deleterious in nature, this alteration is interpreted as a disease-causing mutation (ACMG Recommendations for Standards for Interpretation and Reporting of Sequence Variations. Revision 2007. Genet Med. 2008;10:294).